The following is an entry in ClinVar:

ClinVar aggregate classification (germline): Likely pathogenic (1 of 4 stars; one submission).

Submission:

Dasa
Classification: Likely pathogenic. Last evaluated: 2025-11-20. Review status: criteria provided, single submitter. Criteria: DASA Assertion Criteria. Collection method: clinical testing. Allele origin: germline.
Comment: NM_001348716.2(KDM6B):c.1549_1562dup (p.Arg522Hisfs*65) is a frameshift variant in KDM6B predicted to alter the reading frame and introduce a premature termination codon and is predicted to result in an absent or altered protein product. Loss of function is an established disease mechanism for KDM6B (PMID: 37196654; PMID: 31124279; PMID: 25363768). Also, this variant is absent from population databases. Based on the currently available evidence, this variant is classified as likely pathogenic.

Literature cited by the submitters: PubMed 37196654; PubMed 31124279; PubMed 25363768.

NM_001348716.2(KDM6B):c.1549_1562dup (p.Arg522fs)

Gene: KDM6B (lysine demethylase 6B; plus strand). Cytogenetic location: 17p13.1.
Variant type: Duplication.
Coding change: c.1549_1562dup on transcript NM_001348716.2 (MANE Select); coding-DNA positions 1549 to 1562, 14 bases duplicated (CCACCCCTCCCCCA).
Protein change: p.Arg522fs; shifts the reading frame from arginine 522.
Molecular consequence: frameshift variant.
Genome position (GRCh38, 1-based): chr17:7,847,837-7,847,850, CCACCCCTCCCCCA duplicated; duplicating any 14 consecutive bases within chr17:7,847,832-7,847,850 gives the same sequence; the c. name uses the placement nearest the transcript's 3' end. VCF-style (leftmost placement, unchanged base first): chr17-7847831-G-GCCCCACCACCCCTC. GRCh37 (hg19) VCF-style: chr17-7751149-G-GCCCCACCACCCCTC.
Other names: c.1549_1562dup, p.Arg522fs (NM_001080424.2); short protein forms R522fs.
Identifiers: ClinVar variation 4886588 (VCV004886588.2).